The following is an entry in ClinVar:

ClinVar aggregate classification (germline): Pathogenic. Review status: criteria provided, multiple submitters, no conflicts (2 of 4 stars). 2 submissions from 2 submitters: Pathogenic (2). Last evaluated 2025-08-29.

Conditions:
Inborn genetic diseases. Identifiers: MedGen C0950123, MeSH D030342.
Congenital sideroblastic anemia-B-cell immunodeficiency-periodic fever-developmental delay syndrome. Also called: Sideroblastic anemia with B-cell immunodeficiency, periodic fevers, and developmental delay. Identifiers: Orphanet 369861, MedGen C4015172, MONDO:0014487, OMIM 616084.

Submissions (2):

Ambry Genetics
Classification: Pathogenic for Inborn genetic diseases. Last evaluated: 2025-08-29. Review status: criteria provided, single submitter. Criteria: Ambry Variant Classification Scheme 2023. Collection method: clinical testing. Allele origin: germline.
Comment: The c.569_570delGA (p.R190Nfs*7) alteration, located in exon 5 (coding exon 4) of the TRNT1 gene, consists of a deletion of 2 nucleotides from position 569 to 570, causing a translational frameshift with a predicted alternate stop codon after 7 amino acids. This alteration is expected to result in loss of function by premature protein truncation or nonsense-mediated mRNA decay. This variant was not reported in population-based cohorts in the Genome Aggregation Database (gnomAD). Based on the available evidence, this alteration is classified as pathogenic.

Labcorp Genetics (formerly Invitae), Labcorp
Classification: Pathogenic for Congenital sideroblastic anemia-B-cell immunodeficiency-periodic fever-developmental delay syndrome. Last evaluated: 2025-04-17. Review status: criteria provided, single submitter. Criteria: Invitae Variant Classification Sherloc (09022015). Collection method: clinical testing. Allele origin: germline.
Comment: This sequence change creates a premature translational stop signal (p.Arg190Asnfs*7) in the TRNT1 gene. It is expected to result in an absent or disrupted protein product. Loss-of-function variants in TRNT1 are known to be pathogenic (PMID: 25193871). This variant is not present in population databases (gnomAD no frequency). This variant has not been reported in the literature in individuals affected with TRNT1-related conditions. For these reasons, this variant has been classified as Pathogenic.

Literature cited by the submitters: PubMed 25193871 (cited by Labcorp Genetics (formerly Invitae), Labcorp).

NM_182916.3(TRNT1):c.569_570del (p.Arg190fs)

Gene: TRNT1 (tRNA nucleotidyl transferase 1; plus strand). Cytogenetic location: 3p26.2.
Variant type: Microsatellite.
Coding change: c.569_570del on transcript NM_182916.3 (MANE Select); coding-DNA positions 569 to 570, 2 bases deleted (GA; older notation c.569_570delGA).
Protein change: p.Arg190fs; shifts the reading frame from arginine 190.
Molecular consequence: frameshift variant. On other transcripts: non-coding transcript variant (8).
Genome position (GRCh38, 1-based): chr3:3,144,671-3,144,672, GA deleted; deleting any 2 consecutive bases within chr3:3,144,668-3,144,672 gives the same sequence; the c. name uses the placement nearest the transcript's 3' end. VCF-style (leftmost placement, unchanged base first): chr3-3144667-CAG-C. GRCh37 (hg19) VCF-style: chr3-3186351-CAG-C.
Other names: c.569_570delGA (NM_182916.2); c.569_570del, p.Arg190fs (NM_001302946.2, NM_001367321.1, NM_001367322.1 and 1 more transcripts); short protein forms R190fs.
Identifiers: ClinVar variation 1904390 (VCV001904390.6), dbSNP rs1289523507, ClinGen allele CA906201665.